The following is an entry in ClinVar:

ClinVar aggregate classification (germline): Uncertain significance (1 of 4 stars; one submission).

Conditions:
Baller-Gerold syndrome (BGS). Also called: CRANIOSYNOSTOSIS WITH RADIAL DEFECTS. Identifiers: Orphanet 1225, MedGen C0265308, MONDO:0009039, OMIM 218600.

Submission:

Labcorp Genetics (formerly Invitae), Labcorp
Classification: Uncertain significance for Baller-Gerold syndrome. Last evaluated: 2025-09-08. Review status: criteria provided, single submitter. Criteria: Invitae Variant Classification Sherloc (09022015). Collection method: clinical testing. Allele origin: germline.
Comment: This sequence change replaces serine, which is neutral and polar, with proline, which is neutral and non-polar, at codon 436 of the RECQL4 protein (p.Ser436Pro). This variant is not present in population databases (gnomAD no frequency). This variant has not been reported in the literature in individuals affected with RECQL4-related conditions. ClinVar contains an entry for this variant (Variation ID: 568295). Invitae Evidence Modeling of protein sequence and biophysical properties (such as structural, functional, and spatial information, amino acid conservation, physicochemical variation, residue mobility, and thermodynamic stability) indicates that this missense variant is not expected to disrupt RECQL4 protein function with a negative predictive value of 80%. In summary, the available evidence is currently insufficient to determine the role of this variant in disease. Therefore, it has been classified as a Variant of Uncertain Significance.

NM_004260.4(RECQL4):c.1306T>C (p.Ser436Pro)

Gene: RECQL4 (RecQ like helicase 4; minus strand). Cytogenetic location: 8q24.3.
Variant type: single nucleotide variant.
Coding change: c.1306T>C on transcript NM_004260.4 (MANE Select); coding-DNA position 1306, T replaced by C.
Protein change: p.Ser436Pro; replaces serine 436 with proline.
Molecular consequence: missense variant.
Genome position (GRCh38, 1-based): chr8:144,515,410, A>G on the plus strand (T>C on the coding strand, the complement: RECQL4 is on the minus strand). VCF-style: chr8-144515410-A-G. GRCh37 (hg19) VCF-style: chr8-145740794-A-G.
Other names: short protein forms S436P.
Identifiers: ClinVar variation 568295 (VCV000568295.5), dbSNP rs1564803061, ClinGen allele CA372685787.